The following is an entry in ClinVar:

ClinVar aggregate classification (germline): Uncertain significance (1 of 4 stars; one submission).

Submission:

Labcorp Genetics (formerly Invitae), Labcorp
Classification: Uncertain significance. Last evaluated: 2021-08-03. Review status: criteria provided, single submitter. Criteria: Invitae Variant Classification Sherloc (09022015). Collection method: clinical testing. Allele origin: germline.
Comment: This sequence change replaces glutamine with arginine at codon 235 of the NEFH protein (p.Gln235Arg). The glutamine residue is highly conserved and there is a small physicochemical difference between glutamine and arginine. Advanced modeling of protein sequence and biophysical properties (such as structural, functional, and spatial information, amino acid conservation, physicochemical variation, residue mobility, and thermodynamic stability) performed at Invitae indicates that this missense variant is not expected to disrupt NEFH protein function. This variant has not been reported in the literature in individuals affected with NEFH-related conditions. The frequency data for this variant in the population databases is considered unreliable, as metrics indicate insufficient coverage at this position in the ExAC database. In summary, the available evidence is currently insufficient to determine the role of this variant in disease. Therefore, it has been classified as a Variant of Uncertain Significance.

NM_021076.4(NEFH):c.704A>G (p.Gln235Arg)

Gene: NEFH (neurofilament heavy chain; plus strand). Cytogenetic location: 22q12.2.
Variant type: single nucleotide variant.
Coding change: c.704A>G on transcript NM_021076.4 (MANE Select); coding-DNA position 704, A replaced by G.
Protein change: p.Gln235Arg; replaces glutamine 235 with arginine.
Molecular consequence: missense variant.
Genome position (GRCh38, 1-based): chr22:29,480,966, A>G. VCF-style: chr22-29480966-A-G. GRCh37 (hg19) VCF-style: chr22-29876955-A-G.
Other names: short protein forms Q235R.
Identifiers: ClinVar variation 1486133 (VCV001486133.6), dbSNP rs1422053207, ClinGen allele CA411123725.
Genomic context (GRCh38, chr22:29,480,966, plus strand): 5'-ACCTGCAGAAGAAGGCGCAGGCGCTGCAGGAGGAGTGCGGCTACCTGCGGCGCCACCACC[A>G]GGAAGAGGTGGGCGAGCTGCTCGGCCAGATCCAGGGCTCCGGCGCCGCGCAGGCGCAGAT-3'
Protein context (NP_066554.2, residues 225-245): EECGYLRRHH[Gln235Arg]EEVGELLGQI